The following is an entry in ClinVar:

ClinVar aggregate classification (germline): Uncertain significance (1 of 4 stars; one submission).

Conditions:
Inborn genetic diseases. Identifiers: MedGen C0950123, MeSH D030342.

gnomAD v4.1: 1 of 1,613,770 alleles (0.000062%); highest among the groups gnomAD compares: South Asian, 0.0011%; no homozygotes.

Submission:

Ambry Genetics
Classification: Uncertain significance for Inborn genetic diseases. Last evaluated: 2025-02-05. Review status: criteria provided, single submitter. Criteria: Ambry Variant Classification Scheme 2023. Collection method: clinical testing. Allele origin: germline.
Comment: The p.C1506R variant (also known as c.4516T>C), located in coding exon 13 of the ASXL1 gene, results from a T to C substitution at nucleotide position 4516. The cysteine at codon 1506 is replaced by arginine, an amino acid with highly dissimilar properties. This amino acid position is conserved. In addition, this alteration is predicted to be deleterious by in silico analysis. Based on the available evidence, the clinical significance of this variant remains unclear.

NM_015338.6(ASXL1):c.4516T>C (p.Cys1506Arg)

Gene: ASXL1 (ASXL transcriptional regulator 1; plus strand). Cytogenetic location: 20q11.21.
Variant type: single nucleotide variant.
Coding change: c.4516T>C on transcript NM_015338.6 (MANE Select); coding-DNA position 4516, T replaced by C.
Protein change: p.Cys1506Arg; replaces cysteine 1506 with arginine.
Molecular consequence: missense variant.
Genome position (GRCh38, 1-based): chr20:32,437,228, T>C. VCF-style: chr20-32437228-T-C. GRCh37 (hg19) VCF-style: chr20-31025031-T-C.
Other names: c.4333T>C, p.Cys1445Arg (NM_001363734.1); short protein forms C1445R, C1506R.
Identifiers: ClinVar variation 3793213 (VCV003793213.1).